The following is an entry in ClinVar:

ClinVar aggregate classification (germline): Pathogenic (1 of 4 stars; one submission).

Submission:

Labcorp Genetics (formerly Invitae), Labcorp
Classification: Pathogenic. Last evaluated: 2026-01-05. Review status: criteria provided, single submitter. Criteria: Invitae Variant Classification Sherloc (09022015). Collection method: clinical testing. Allele origin: germline.
Comment: This sequence change creates a premature translational stop signal (p.Pro615Thrfs*14) in the MUT gene. It is expected to result in an absent or disrupted protein product. Loss-of-function variants in MUT are known to be pathogenic (PMID: 15781192). This variant is not present in population databases (gnomAD no frequency). This variant has not been reported in the literature in individuals affected with MUT-related conditions. For these reasons, this variant has been classified as Pathogenic.

Literature cited by the submitters: PubMed 15781192.

NM_000255.4(MMUT):c.1842dup (p.Pro615fs)

Gene: MMUT (methylmalonyl-CoA mutase; minus strand). Cytogenetic location: 6p12.3.
Variant type: Duplication.
Coding change: c.1842dup on transcript NM_000255.4 (MANE Select); coding-DNA position 1842, one base duplicated (A; older notation c.1842dupA).
Protein change: p.Pro615fs; shifts the reading frame from proline 615.
Molecular consequence: frameshift variant.
Genome position (GRCh38, 1-based): chr6:49,440,320, T duplicated on the plus strand (A on the coding strand, the reverse complement: MMUT is on the minus strand). VCF-style (leftmost placement, unchanged base first): chr6-49440319-G-GT. GRCh37 (hg19) VCF-style: chr6-49408032-G-GT.
Other names: short protein forms P615fs.
Identifiers: ClinVar variation 4734056 (VCV004734056.1).
Genomic context (GRCh38, chr6:49,440,319, plus strand): 5'-CAATAACTTTTGCTCCTCTGTCATGGCCATCTTGTCCCATTTTTGCTACAAGAAGACGAG[G>GT]TCTGCGACCTTCACGTTCCATGAATTTATGAACCCTGAAAAACATTTAAAAATATATCAG-3'